The following is an entry in ClinVar:

NM_001134831.2(AHI1):c.562T>A (p.Leu188Met)

Gene: AHI1 (Abelson helper integration site 1; minus strand). Cytogenetic location: 6q23.3.
Variant type: single nucleotide variant.
Coding change: c.562T>A on transcript NM_001134831.2 (MANE Select); coding-DNA position 562, T replaced by A.
Protein change: p.Leu188Met; replaces leucine 188 with methionine.
Molecular consequence: missense variant.
Genome position (GRCh38, 1-based): chr6:135,466,001, A>T on the plus strand (T>A on the coding strand, the complement: AHI1 is on the minus strand). VCF-style: chr6-135466001-A-T. GRCh37 (hg19) VCF-style: chr6-135787139-A-T.
Other names: c.562T>A, p.Leu188Met (NM_001134830.2, NM_001134832.2, NM_001350503.2 and 2 more transcripts); short protein forms L188M.
Identifiers: ClinVar variation 855017 (VCV000855017.10), dbSNP rs775089247, ClinGen allele CA365751292.
Genomic context (GRCh38, chr6:135,466,001, plus strand): 5'-TTTTCCTCTTAATCTCCTTTGCCATTTCTTCAGTTACATGGCACTGATATGCTTGCATCA[A>T]TTCTTCATCCTCTTCTAAATCAGTCTCTTCTCTTCCCTCATTTGCCTTCTCACTTTTCTG-3'
Protein context (NP_001128303.1, residues 178-198): EETDLEEDEE[Leu188Met]MQAYQCHVTE

ClinVar aggregate classification (germline): Uncertain significance (1 of 4 stars; one submission).

Conditions:
Joubert syndrome. Also called: CEREBELLOPARENCHYMAL DISORDER IV; JOUBERT-BOLTSHAUSER SYNDROME; Familial aplasia of the vermis. Identifiers: Orphanet 475, MedGen C5979921, MONDO:0018772.

Submission:

Labcorp Genetics (formerly Invitae), Labcorp
Classification: Uncertain significance for Joubert syndrome. Last evaluated: 2019-12-06. Review status: criteria provided, single submitter. Criteria: Invitae Variant Classification Sherloc (09022015). Collection method: clinical testing. Allele origin: germline.
Comment: This sequence change replaces leucine with methionine at codon 188 of the AHI1 protein (p.Leu188Met). The leucine residue is moderately conserved and there is a small physicochemical difference between leucine and methionine. Algorithms developed to predict the effect of missense changes on protein structure and function are either unavailable or do not agree on the potential impact of this missense change (SIFT: "Deleterious"; PolyPhen-2: "Benign"; Align-GVGD: "Class C0"). In summary, the available evidence is currently insufficient to determine the role of this variant in disease. Therefore, it has been classified as a Variant of Uncertain Significance. This variant is not present in population databases (ExAC no frequency). This variant has not been reported in the literature in individuals with AHI1-related conditions.